The following is an entry in ClinVar:

ClinVar aggregate classification (germline): Likely pathogenic (1 of 4 stars; one submission).

Submission:

Labcorp Genetics (formerly Invitae), Labcorp
Classification: Likely pathogenic. Last evaluated: 2025-12-17. Review status: criteria provided, single submitter. Criteria: Invitae Variant Classification Sherloc (09022015). Collection method: clinical testing. Allele origin: germline.
Comment: This sequence change replaces glycine, which is neutral and non-polar, with arginine, which is basic and polar, at codon 1241 of the COL4A5 protein (p.Gly1241Arg). This variant is not present in population databases (gnomAD no frequency). This missense change has been observed in individual(s) with Alport syndrome (PMID: 24033287; internal data). Invitae Evidence Modeling of protein sequence and biophysical properties (such as structural, functional, and spatial information, amino acid conservation, physicochemical variation, residue mobility, and thermodynamic stability) indicates that this missense variant is expected to disrupt COL4A5 protein function with a positive predictive value of 95%. This variant disrupts the p.Gly1241 amino acid residue in COL4A5. Other variant(s) that disrupt this residue have been determined to be pathogenic (PMID: 7599631; internal data). This suggests that this residue is clinically significant, and that variants that disrupt this residue are likely to be disease-causing. In summary, the currently available evidence indicates that the variant is pathogenic, but additional data are needed to prove that conclusively. Therefore, this variant has been classified as Likely Pathogenic.

Literature cited by the submitters: PubMed 24033287; PubMed 7599631.

NM_033380.3(COL4A5):c.3721G>C (p.Gly1241Arg)

Gene: COL4A5 (collagen type IV alpha 5 chain; plus strand). Cytogenetic location: Xq22.3.
Variant type: single nucleotide variant.
Coding change: c.3721G>C on transcript NM_033380.3 (MANE Select); coding-DNA position 3721, G replaced by C.
Protein change: p.Gly1241Arg; replaces glycine 1241 with arginine.
Molecular consequence: missense variant.
Genome position (GRCh38, 1-based): chrX:108,668,435, G>C. VCF-style: chrX-108668435-G-C. GRCh37 (hg19) VCF-style: chrX-107911665-G-C.
Other names: c.3721G>C, p.Gly1241Arg (NM_000495.5); short protein forms G1241R.
Identifiers: ClinVar variation 4710871 (VCV004710871.1), dbSNP rs104886255.